The following is an entry in ClinVar:

NM_001283009.2(RTEL1):c.1079A>C (p.Gln360Pro)

Genes: RTEL1 (regulator of telomere elongation helicase 1; plus strand), RTEL1-TNFRSF6B (RTEL1-TNFRSF6B readthrough (NMD candidate); plus strand). Cytogenetic location: 20q13.33.
Variant type: single nucleotide variant.
Coding change: c.1079A>C on transcript NM_001283009.2 (MANE Select); coding-DNA position 1079, A replaced by C.
Protein change: p.Gln360Pro; replaces glutamine 360 with proline.
Molecular consequence: missense variant. On other transcripts: non-coding transcript variant (1).
Genome position (GRCh38, 1-based): chr20:63,679,890, A>C. VCF-style: chr20-63679890-A-C. GRCh37 (hg19) VCF-style: chr20-62311243-A-C.
Other names: c.410A>C, p.Gln137Pro (NM_001283010.1); c.1079A>C, p.Gln360Pro (NM_016434.4); c.1151A>C, p.Gln384Pro (NM_032957.5); short protein forms Q137P, Q384P, Q360P.
Identifiers: ClinVar variation 3948492 (VCV003948492.1).

ClinVar aggregate classification (germline): Uncertain significance (1 of 4 stars; one submission).

Conditions:
Inborn genetic diseases. Identifiers: MedGen C0950123, MeSH D030342.

gnomAD v4.1: 1 of 1,612,172 alleles (0.000062%); highest among the groups gnomAD compares: Non-Finnish European, 0.000085%; no homozygotes.

Submission:

Ambry Genetics
Classification: Uncertain significance for Inborn genetic diseases. Last evaluated: 2025-06-14. Review status: criteria provided, single submitter. Criteria: Ambry Variant Classification Scheme 2023. Collection method: clinical testing. Allele origin: germline.
Comment: The p.Q360P variant (also known as c.1079A>C), located in coding exon 12 of the RTEL1 gene, results from an A to C substitution at nucleotide position 1079. The glutamine at codon 360 is replaced by proline, an amino acid with similar properties. This amino acid position is conserved. In addition, the in silico prediction for this alteration is inconclusive. Based on the available evidence, the clinical significance of this variant remains unclear.